The following is an entry in ClinVar:

ClinVar aggregate classification (germline): Uncertain significance (1 of 4 stars; one submission).

Conditions:
Hyperaldosteronism, familial, type IV (HALD4). Also called: FH IV; ALDOSTERONISM, PRIMARY, AND HYPERTENSION. Identifiers: Orphanet 642671, MedGen C4310756, MONDO:0014875, OMIM 617027.
Idiopathic generalized epilepsy. Also called: EIG; Generalised epilepsy. Identifiers: MedGen C0270850, MONDO:0005579, OMIM 600669.

Allele frequency attached by ClinVar (database versions not stated): gnomAD exomes below 0.00001.
gnomAD v4.1: 5 of 1,570,272 alleles (0.00032%); highest among the groups gnomAD compares: South Asian, 0.0012%; no homozygotes.

Submission:

Labcorp Genetics (formerly Invitae), Labcorp
Classification: Uncertain significance for Idiopathic generalized epilepsy; Hyperaldosteronism, familial, type IV. Last evaluated: 2023-07-12. Review status: criteria provided, single submitter. Criteria: Invitae Variant Classification Sherloc (09022015). Collection method: clinical testing. Allele origin: germline.
Comment: This sequence change replaces leucine, which is neutral and non-polar, with phenylalanine, which is neutral and non-polar, at codon 602 of the CACNA1H protein (p.Leu602Phe). This variant is not present in population databases (gnomAD no frequency). This variant has not been reported in the literature in individuals affected with CACNA1H-related conditions. Advanced modeling of protein sequence and biophysical properties (such as structural, functional, and spatial information, amino acid conservation, physicochemical variation, residue mobility, and thermodynamic stability) performed at Invitae indicates that this missense variant is not expected to disrupt CACNA1H protein function. In summary, the available evidence is currently insufficient to determine the role of this variant in disease. Therefore, it has been classified as a Variant of Uncertain Significance.

NM_021098.3(CACNA1H):c.1804C>T (p.Leu602Phe)

Gene: CACNA1H (calcium voltage-gated channel subunit alpha1 H; plus strand). Cytogenetic location: 16p13.3.
Variant type: single nucleotide variant.
Coding change: c.1804C>T on transcript NM_021098.3 (MANE Select); coding-DNA position 1804, C replaced by T.
Protein change: p.Leu602Phe; replaces leucine 602 with phenylalanine.
Molecular consequence: missense variant.
Genome position (GRCh38, 1-based): chr16:1,202,254, C>T. VCF-style: chr16-1202254-C-T. GRCh37 (hg19) VCF-style: chr16-1252254-C-T.
Other names: c.1804C>T, p.Leu602Phe (NM_001005407.2); short protein forms L602F.
Identifiers: ClinVar variation 2933886 (VCV002933886.3), dbSNP rs1408004547, ClinGen allele CA394162469.